The following is an entry in ClinVar:

NM_004655.4(AXIN2):c.1713-7C>T

Gene: AXIN2 (axin 2; minus strand). Cytogenetic location: 17q24.1.
Variant type: single nucleotide variant.
Coding change: c.1713-7C>T on transcript NM_004655.4 (MANE Select); 7 bases into the intron before coding-DNA position 1713, C replaced by T.
Molecular consequence: intron variant.
Genome position (GRCh38, 1-based): chr17:65,537,070, G>A on the plus strand (C>T on the coding strand, the complement: AXIN2 is on the minus strand). VCF-style: chr17-65537070-G-A. GRCh37 (hg19) VCF-style: chr17-63533188-G-A.
Other names: c.1712+254C>T (NM_001363813.1).
Identifiers: ClinVar variation 3378996 (VCV003378996.1).
Genomic context (GRCh38, chr17:65,537,070, plus strand): 5'-CCCGGCTCCGTGCCTTTCCCATTGCGTTTGGGCAAGGTACTGCCTCTGCTGCCGCTGTGG[G>A]GAACCAAGAACCACACCCAACCCAGAGACCCGGTTAAATCTCCGGGACTCCTAGAATCAG-3'

ClinVar aggregate classification (germline): Likely benign (1 of 4 stars; one submission).

Conditions:
Oligodontia-cancer predisposition syndrome. Also called: TOOTH AGENESIS-COLORECTAL CANCER SYNDROME. Identifiers: Orphanet 300576, MedGen C1837750, MONDO:0012075, OMIM 608615. Disease mechanism: loss of function.

Submission:

Myriad Genetics, Inc.
Classification: Likely benign for Oligodontia-cancer predisposition syndrome. Last evaluated: 2024-07-08. Review status: criteria provided, single submitter. Criteria: Myriad Autosomal Dominant, Autosomal Recessive and X-Linked Classification Criteria (2023). Collection method: clinical testing. Allele origin: unknown.
Comment: This variant is considered likely benign. This variant is intronic and is not expected to impact mRNA splicing.